The following is an entry in ClinVar:

NM_001098629.3(IRF5):c.1050T>G (p.Leu350=)

Gene: IRF5 (interferon regulatory factor 5; plus strand). Cytogenetic location: 7q32.1.
Variant type: single nucleotide variant.
Coding change: c.1050T>G on transcript NM_001098629.3 (MANE Select); coding-DNA position 1050, T replaced by G.
Protein change: p.Leu350=; no amino-acid change (leucine 350 retained).
Molecular consequence: synonymous variant.
Genome position (GRCh38, 1-based): chr7:128,947,991, T>G. VCF-style: chr7-128947991-T-G. GRCh37 (hg19) VCF-style: chr7-128588045-T-G.
Other names: NC_000007.13:g.128588045T>G; c.1002T>G, p.Leu334= (NM_001098627.4, NM_001098630.3, NM_032643.5); c.744T>G, p.Leu248= (NM_001242452.3); c.1050T>G, p.Leu350= (NM_001347928.2, NM_001364314.2).
Identifiers: ClinVar variation 773496 (VCV000773496.30), dbSNP rs2230117, ClinGen allele CA4477674.

ClinVar aggregate classification (germline): Benign/Likely benign. Review status: criteria provided, multiple submitters, no conflicts (2 of 4 stars). 3 submissions from 3 submitters: Benign (2); Likely benign (1). Last evaluated 2025-06-01.

Allele frequency attached by ClinVar (database versions not stated): 1000 Genomes Project 30x 0.00078; 1000 Genomes Project 0.00080; ExAC 0.00248; gnomAD exomes 0.00278 and 0.00360; TOPMed 0.00280; gnomAD 0.00296 and 0.00305; ESP Exome Variant Server 0.00400.
gnomAD v4.1: 5,718 of 1,614,142 alleles (0.35%); highest among the groups gnomAD compares: Middle Eastern, 0.64%; 19 homozygotes.

Submissions (4):

CeGaT Center for Human Genetics Tuebingen
Classification: Likely benign. Last evaluated: 2025-06-01. Review status: criteria provided, single submitter. Criteria: CeGaT Center For Human Genetics Tuebingen Variant Classification Criteria Version 2. Collection method: clinical testing. Allele origin: germline. Affected: yes. Observed: 4 variant alleles.
Comment: IRF5: BS2

Labcorp Genetics (formerly Invitae), Labcorp
Classification: Benign. Last evaluated: 2019-12-31. Review status: criteria provided, single submitter. Criteria: Invitae Variant Classification Sherloc (09022015). Collection method: clinical testing. Allele origin: germline.

Breakthrough Genomics
Classification: Benign. Review status: criteria provided, single submitter. Criteria: ACMG Guidelines, 2015. Collection method: not provided. Allele origin: germline. Inheritance: Unknown mechanism. Affected: yes.

Dr. Peter K. Rogan Lab, Western University
No classification provided (evidence only). Condition: Malignant tumor of urinary bladder. Review status: no classification provided. Collection method: in vitro. Allele origin: not applicable. Functional consequence: retained intron. Not counted in ClinVar's aggregate classification.